The following is an entry in ClinVar:

ClinVar aggregate classification (germline): Conflicting classifications of pathogenicity. Review status: criteria provided, conflicting classifications (1 of 4 stars). 3 submissions from 3 submitters: Uncertain significance (1); Benign (1); Likely benign (1). Last evaluated 2025-12-30.

Submissions (3):

Dasa
Classification: Uncertain significance. Last evaluated: 2025-12-30. Review status: criteria provided, single submitter. Criteria: DASA Assertion Criteria. Collection method: clinical testing. Allele origin: germline.
Comment: NM_014141.6(CNTNAP2):c.3716-6delinsTTCTG is a splice-region variant. This variant is rare in population databases. The currently available literature and clinical evidence are not sufficient to establish a definitive association between this variant and the reported condition. Therefore, this variant is classified as a variant of uncertain significance.

GeneDx
Classification: Likely benign. Last evaluated: 2021-09-03. Review status: criteria provided, single submitter. Criteria: GeneDx Variant Classification Process June 2021. Collection method: clinical testing. Allele origin: germline. Affected: yes.

PreventionGenetics, part of Exact Sciences
Classification: Benign. Review status: criteria provided, single submitter. Criteria: ACMG Guidelines, 2015. Collection method: clinical testing. Allele origin: germline.

NM_014141.6(CNTNAP2):c.3716-6delinsTTCTG

Gene: CNTNAP2 (contactin associated protein 2; plus strand). Cytogenetic location: 7q36.1.
Variant type: Duplication.
Coding change: c.3716-6delinsTTCTG on transcript NM_014141.6 (MANE Select); 6 bases into the intron before coding-DNA position 3716, C replaced by TTCTG.
Molecular consequence: intron variant.
Genome position (GRCh38, 1-based): chr7:148,409,385, C replaced by TTCTG. VCF-style: chr7-148409385-C-TTCTG. GRCh37 (hg19) VCF-style: chr7-148106477-C-TTCTG.
Identifiers: ClinVar variation 260350 (VCV000260350.6), dbSNP rs71188981, ClinGen allele CA10586963.